The following is an entry in ClinVar:

NM_001195263.2(PDZD7):c.2719-3T>G

Gene: PDZD7 (PDZ domain containing 7; minus strand). Cytogenetic location: 10q24.31.
Variant type: single nucleotide variant.
Coding change: c.2719-3T>G on transcript NM_001195263.2 (MANE Select); 3 bases into the intron before coding-DNA position 2719, T replaced by G.
Molecular consequence: intron variant.
Genome position (GRCh38, 1-based): chr10:101,008,853, A>C on the plus strand (T>G on the coding strand, the complement: PDZD7 is on the minus strand). VCF-style: chr10-101008853-A-C. GRCh37 (hg19) VCF-style: chr10-102768610-A-C.
Identifiers: ClinVar variation 1000323 (VCV001000323.6), dbSNP rs1265150513, ClinGen allele CA595493952.

ClinVar aggregate classification (germline): Uncertain significance (1 of 4 stars; one submission).

Allele frequency attached by ClinVar (database versions not stated): gnomAD exomes 0.00001.
gnomAD v4.1: 21 of 1,486,572 alleles (0.0014%); highest among the groups gnomAD compares: Non-Finnish European, 0.0018%; no homozygotes.

Submission:

Labcorp Genetics (formerly Invitae), Labcorp
Classification: Uncertain significance. Last evaluated: 2025-10-01. Review status: criteria provided, single submitter. Criteria: Invitae Variant Classification Sherloc (09022015). Collection method: clinical testing. Allele origin: germline.
Comment: This sequence change falls in intron 16 of the PDZD7 gene. It does not directly change the encoded amino acid sequence of the PDZD7 protein. It affects a nucleotide within the consensus splice site. This variant is present in population databases (no rsID available, gnomAD 0.003%). This variant has not been reported in the literature in individuals affected with PDZD7-related conditions. ClinVar contains an entry for this variant (Variation ID: 1000323). Variants that disrupt the consensus splice site are a relatively common cause of aberrant splicing (PMID: 17576681, 9536098). Algorithms developed to predict the effect of sequence changes on RNA splicing suggest that this variant may disrupt the consensus splice site. In summary, the available evidence is currently insufficient to determine the role of this variant in disease. Therefore, it has been classified as a Variant of Uncertain Significance.

Literature cited by the submitters: PubMed 17576681; PubMed 9536098.